The following is an entry in ClinVar:

NM_032043.3(BRIP1):c.-31+12G>A

Gene: BRIP1 (BRCA1 interacting DNA helicase 1; minus strand). Cytogenetic location: 17q23.2.
Variant type: single nucleotide variant.
Coding change: c.-31+12G>A on transcript NM_032043.3 (MANE Select); 12 bases into the intron after 31 bases upstream of the start codon, G replaced by A.
Molecular consequence: intron variant.
Genome position (GRCh38, 1-based): chr17:61,863,272, C>T on the plus strand (G>A on the coding strand, the complement: BRIP1 is on the minus strand). VCF-style: chr17-61863272-C-T. GRCh37 (hg19) VCF-style: chr17-59940633-C-T.
Identifiers: ClinVar variation 136585 (VCV000136585.7), dbSNP rs4988340, ClinGen allele CA289754.

ClinVar aggregate classification (germline): Benign. Review status: criteria provided, multiple submitters, no conflicts (2 of 4 stars). 4 submissions from 4 submitters: Benign (4). Last evaluated 2025-07-10.

Conditions:
Hereditary cancer-predisposing syndrome. Also called: Tumor predisposition; Hereditary neoplastic syndrome; Neoplastic Syndromes, Hereditary; Hereditary Cancer Syndrome. Identifiers: Orphanet 140162, MedGen C0027672, MeSH D009386, MONDO:0015356.
Fanconi anemia complementation group J. Also called: BRIP1-Related Fanconi Anemia. Identifiers: Orphanet 84, MedGen C1836860, MONDO:0012187, OMIM 609054.

Allele frequency attached by ClinVar (database versions not stated): gnomAD 0.23980 and 0.24985; TOPMed 0.24826; 1000 Genomes Project 30x 0.28435; 1000 Genomes Project 0.28914; gnomAD exomes 0.29310.
gnomAD v4.1: 38,174 of 151,976 alleles (25%); highest among the groups gnomAD compares: South Asian, 51%; 5,520 homozygotes.

Submissions (4):

GeneKor MSA
Classification: Benign for Hereditary cancer-predisposing syndrome. Last evaluated: 2025-07-10. Review status: criteria provided, single submitter. Criteria: ACMG Guidelines, 2015. Collection method: clinical testing. Allele origin: germline.

Illumina Laboratory Services, Illumina
Classification: Benign for Fanconi anemia complementation group J. Last evaluated: 2018-01-13. Review status: criteria provided, single submitter. Criteria: ICSL Variant Classification Criteria 13 December 2019. Collection method: clinical testing. Allele origin: germline.
Comment: This variant was observed in the ICSL laboratory as part of a predisposition screen in an ostensibly healthy population. It had not been previously curated by ICSL or reported in the Human Gene Mutation Database (HGMD: prior to June 1st, 2018), and was therefore a candidate for classification through an automated scoring system. Utilizing variant allele frequency, disease prevalence and penetrance estimates, and inheritance mode, an automated score was calculated to assess if this variant is too frequent to cause the disease. Based on the score and internal cut-off values, a variant classified as benign is not then subjected to further curation. The score for this variant resulted in a classification of benign for this disease.

GeneDx
Classification: Benign. Last evaluated: 2013-09-19. Review status: criteria provided, single submitter. Criteria: GeneDx Variant Classification (06012015). Collection method: clinical testing. Allele origin: germline. Affected: yes.
Comment: This variant is considered likely benign or benign based on one or more of the following criteria: it is a conservative change, it occurs at a poorly conserved position in the protein, it is predicted to be benign by multiple in silico algorithms, and/or has population frequency not consistent with disease.

Breakthrough Genomics
Classification: Benign. Review status: criteria provided, single submitter. Criteria: ACMG Guidelines, 2015. Collection method: not provided. Allele origin: germline. Inheritance: Autosomal dominant inheritance. Affected: yes.